The following is an entry in ClinVar:

ClinVar aggregate classification (germline): Likely pathogenic (3 of 4 stars; one submission).

Conditions:
Hereditary factor VIII deficiency disease (HEMA). Also called: HEMOPHILIA, CLASSIC; AUTOSOMAL HEMOPHILIA A; Hemophilia A; Hemophilia A, congenital; HEM A; Factor 8 deficiency, congenital. Identifiers: Orphanet 98878, MedGen C0019069, MONDO:0010602, OMIM 306700.

Submission:

ClinGen Coagulation Factor Deficiency Variant Curation Expert Panel, Clingen
Classification: Likely pathogenic for Hereditary factor VIII deficiency disease. Last evaluated: 2025-05-02. Review status: reviewed by expert panel. Criteria: ClinGen CoagFactor ACMG Specifications F8 V1.0.0. Collection method: curation. Allele origin: germline. Inheritance: X-linked inheritance.
Comment: The c.980T>A (p.Leu327Gln) variant is absent from males in population databases (gnomAD v2.1.1/gnomAD v3) meeting the PM2_Supporting criteria. The missense variant has a REVEL score of 0.868 (>0.6) meeting PP3. The variant has been reported in a proband with severe hemophilia A in the EAHAD Database genotyped through the My Life Our Future program (PP4_Moderate). This information was confirmed by a VCEP member who also reported a similarly affected nephew also found to harbor this variant meeting PP1 criteria. A pathogenic variant, Leu327Val, is reported at the same residue meeting PM5 criteria meeting PM5. In summary, based on the evidence available at this time, the clinical significance of this variant is likely pathogenic. ACMG/AMP criteria applied, as specified by the Coagulation Factor Deficiency Variant Curation Expert Panel for F8/F9: PM5, PP4_Moderate, PP1, PP3, PM2_Supporting

NM_000132.4(F8):c.980T>A (p.Leu327Gln)

Gene: F8 (coagulation factor VIII; minus strand). Cytogenetic location: Xq28.
Variant type: single nucleotide variant.
Coding change: c.980T>A on transcript NM_000132.4 (MANE Select); coding-DNA position 980, T replaced by A.
Protein change: p.Leu327Gln; replaces leucine 327 with glutamine.
Molecular consequence: missense variant.
Genome position (GRCh38, 1-based): chrX:154,969,360, A>T on the plus strand (T>A on the coding strand, the complement: F8 is on the minus strand). VCF-style: chrX-154969360-A-T. GRCh37 (hg19) VCF-style: chrX-154197635-A-T.
Other names: NM_000132.3:c.980T>A; short protein forms L327Q.
Identifiers: ClinVar variation 4087775 (VCV004087775.1).